The following is an entry in ClinVar:

NM_003579.4(RAD54L):c.26A>G (p.Gln9Arg)

Gene: RAD54L (RAD54 like; plus strand). Cytogenetic location: 1p34.1.
Variant type: single nucleotide variant.
Coding change: c.26A>G on transcript NM_003579.4 (MANE Select); coding-DNA position 26, A replaced by G.
Protein change: p.Gln9Arg; replaces glutamine 9 with arginine.
Molecular consequence: missense variant. On other transcripts: 5 prime UTR variant (1).
Genome position (GRCh38, 1-based): chr1:46,248,534, A>G. VCF-style: chr1-46248534-A-G. GRCh37 (hg19) VCF-style: chr1-46714206-A-G.
Other names: c.26A>G, p.Gln9Arg (NM_001142548.2); c.-515A>G (NM_001370766.1); short protein forms Q9R.
Identifiers: ClinVar variation 2625165 (VCV002625165.2), dbSNP rs1571708658, ClinGen allele CA340173988.
Genomic context (GRCh38, chr1:46,248,534, plus strand): 5'-GGATCCTTGCAGGCACTGTTTCTGTTCTCCCTTTACAGAGGAGGAGCTTGGCTCCCAGCC[A>G]GCTGGCCAAGAGAAAACCTGAAGGCAGGTCCTGTGATGATGAAGACTGGCAACCTGGCCT-3'
Protein context (NP_003570.2, residues 1-19): MRRSLAPS[Gln9Arg]LAKRKPEGRS

ClinVar aggregate classification (germline): Uncertain significance (1 of 4 stars; one submission).

Submission:

Ambry Genetics
Classification: Uncertain significance. Last evaluated: 2023-08-30. Review status: criteria provided, single submitter. Criteria: Ambry Variant Classification Scheme 2023. Collection method: clinical testing. Allele origin: germline.
Comment: The p.Q9R variant (also known as c.26A>G), located in coding exon 2 of the RAD54L gene, results from an A to G substitution at nucleotide position 26. The glutamine at codon 9 is replaced by arginine, an amino acid with highly similar properties. This amino acid position is conserved. In addition, the in silico prediction for this alteration is inconclusive. Since supporting evidence is limited at this time, the clinical significance of this alteration remains unclear.